The following is an entry in ClinVar:

NM_001276270.2(MBD4):c.1370C>T (p.Thr457Ile)

Gene: MBD4 (methyl-CpG binding domain 4, DNA glycosylase; minus strand). Cytogenetic location: 3q21.3.
Variant type: single nucleotide variant.
Coding change: c.1370C>T on transcript NM_001276270.2 (MANE Select); coding-DNA position 1370, C replaced by T.
Protein change: p.Thr457Ile; replaces threonine 457 with isoleucine.
Molecular consequence: missense variant.
Genome position (GRCh38, 1-based): chr3:129,433,873, G>A on the plus strand (C>T on the coding strand, the complement: MBD4 is on the minus strand). VCF-style: chr3-129433873-G-A. GRCh37 (hg19) VCF-style: chr3-129152716-G-A.
Other names: c.1388C>T, p.Thr463Ile (NM_001276271.2, NM_001276272.2, NM_003925.3); c.434C>T, p.Thr145Ile (NM_001276273.2); short protein forms T463I, T145I, T457I.
Identifiers: ClinVar variation 4729485 (VCV004729485.1).

ClinVar aggregate classification (germline): Uncertain significance (1 of 4 stars; one submission).

Submission:

Labcorp Genetics (formerly Invitae), Labcorp
Classification: Uncertain significance. Last evaluated: 2025-10-19. Review status: criteria provided, single submitter. Criteria: Invitae Variant Classification Sherloc (09022015). Collection method: clinical testing. Allele origin: germline.
Comment: This sequence change replaces threonine, which is neutral and polar, with isoleucine, which is neutral and non-polar, at codon 463 of the MBD4 protein (p.Thr463Ile). This variant is not present in population databases (gnomAD no frequency). This variant has not been reported in the literature in individuals affected with MBD4-related conditions. An algorithm developed to predict the effect of missense changes on protein structure and function (PolyPhen-2) suggests that this variant is likely to be disruptive. In summary, the available evidence is currently insufficient to determine the role of this variant in disease. Therefore, it has been classified as a Variant of Uncertain Significance.